The following is an entry in ClinVar:

ClinVar aggregate classification (germline): Conflicting classifications of pathogenicity. Review status: criteria provided, conflicting classifications (1 of 4 stars). 4 submissions from 4 submitters: Uncertain significance (3); Benign (1). Last evaluated 2025-09-16.

Conditions:
BAP1-related tumor predisposition syndrome (TPDS1). Also called: BAP1 tumor predisposition syndrome; COMMON Syndrome; TUMOR PREDISPOSITION SYNDROME 1; Tumor susceptibility linked to germline BAP1 mutations. Identifiers: Orphanet 289539, MedGen C3280492, MONDO:0013692, OMIM 614327.
Hereditary cancer-predisposing syndrome. Also called: Neoplastic Syndromes, Hereditary; Hereditary Cancer Syndrome; Tumor predisposition; Hereditary neoplastic syndrome. Identifiers: Orphanet 140162, MedGen C0027672, MeSH D009386, MONDO:0015356.

Allele frequency attached by ClinVar (database versions not stated): gnomAD exomes below 0.00001; TOPMed below 0.00001.

Submissions (4):

Ambry Genetics
Classification: Benign for Hereditary cancer-predisposing syndrome. Last evaluated: 2025-09-16. Review status: criteria provided, single submitter. Criteria: Ambry Variant Classification Scheme 2023. Collection method: clinical testing. Allele origin: germline.

Labcorp Genetics (formerly Invitae), Labcorp
Classification: Uncertain significance for BAP1-related tumor predisposition syndrome. Last evaluated: 2023-12-29. Review status: criteria provided, single submitter. Criteria: Invitae Variant Classification Sherloc (09022015). Collection method: clinical testing. Allele origin: germline.
Comment: This sequence change replaces proline, which is neutral and non-polar, with serine, which is neutral and polar, at codon 484 of the BAP1 protein (p.Pro484Ser). This variant is not present in population databases (gnomAD no frequency). This variant has not been reported in the literature in individuals affected with BAP1-related conditions. ClinVar contains an entry for this variant (Variation ID: 944932). Advanced modeling of protein sequence and biophysical properties (such as structural, functional, and spatial information, amino acid conservation, physicochemical variation, residue mobility, and thermodynamic stability) performed at Invitae indicates that this missense variant is not expected to disrupt BAP1 protein function with a negative predictive value of 80%. In summary, the available evidence is currently insufficient to determine the role of this variant in disease. Therefore, it has been classified as a Variant of Uncertain Significance.

GeneDx
Classification: Uncertain significance. Last evaluated: 2023-03-07. Review status: criteria provided, single submitter. Criteria: GeneDx Variant Classification Process June 2021. Collection method: clinical testing. Allele origin: germline. Affected: yes.
Comment: Not observed at significant frequency in large population cohorts (gnomAD); In silico analysis supports that this missense variant does not alter protein structure/function; Has not been previously published as pathogenic or benign to our knowledge

Quest Diagnostics Nichols Institute San Juan Capistrano
Classification: Uncertain significance. Last evaluated: 2022-11-29. Review status: criteria provided, single submitter. Criteria: Quest Diagnostics criteria. Collection method: clinical testing. Allele origin: unknown.
Comment: The variant has not been reported in individuals with BAP1-related conditions in the published literature. It also has not been reported in large, multi-ethnic general populations. Analysis of this variant using bioinformatics tools for the prediction of the effect of amino acid changes on protein structure and function yielded predictions that this variant is damaging. Based on the available information, we are unable to determine the clinical significance of this variant.

Literature cited by the submitters: PubMed 38969833 (cited by Ambry Genetics).

NM_004656.4(BAP1):c.1450C>T (p.Pro484Ser)

Gene: BAP1 (BRCA1 associated deubiquitinase 1; minus strand). Cytogenetic location: 3p21.1.
Variant type: single nucleotide variant.
Coding change: c.1450C>T on transcript NM_004656.4 (MANE Select); coding-DNA position 1450, C replaced by T.
Protein change: p.Pro484Ser; replaces proline 484 with serine.
Molecular consequence: missense variant.
Genome position (GRCh38, 1-based): chr3:52,403,695, G>A on the plus strand (C>T on the coding strand, the complement: BAP1 is on the minus strand). VCF-style: chr3-52403695-G-A. GRCh37 (hg19) VCF-style: chr3-52437711-G-A.
Other names: short protein forms P484S.
Identifiers: ClinVar variation 944932 (VCV000944932.11), dbSNP rs1705050172, ClinGen allele CA353101268.